The following is an entry in ClinVar:

NM_001035.3(RYR2):c.5477A>G (p.Tyr1826Cys)

Gene: RYR2 (ryanodine receptor 2; plus strand). Cytogenetic location: 1q43.
Variant type: single nucleotide variant.
Coding change: c.5477A>G on transcript NM_001035.3 (MANE Select); coding-DNA position 5477, A replaced by G.
Protein change: p.Tyr1826Cys; replaces tyrosine 1826 with cysteine.
Molecular consequence: missense variant.
Genome position (GRCh38, 1-based): chr1:237,614,605, A>G. VCF-style: chr1-237614605-A-G. GRCh37 (hg19) VCF-style: chr1-237777905-A-G.
Other names: short protein forms Y1826C.
Identifiers: ClinVar variation 2721491 (VCV002721491.3), dbSNP rs2546795971, ClinGen allele CA345405110.
Genomic context (GRCh38, chr1:237,614,605, plus strand): 5'-CCCGGGACCCAGTTGGAGGGACTACTGAATTCCTCTTTGTACCTCTCATCAAGCTTTTCT[A>G]TACCCTGCTGATCATGGGCATCTTTCACAACGAGGACTTGAAGCACATCTTGCAGTTGAT-3'
Protein context (NP_001026.2, residues 1816-1836): FLFVPLIKLF[Tyr1826Cys]TLLIMGIFHN

ClinVar aggregate classification (germline): Uncertain significance (1 of 4 stars; one submission).

Conditions:
Catecholaminergic polymorphic ventricular tachycardia 1. Also called: VENTRICULAR TACHYCARDIA, STRESS-INDUCED POLYMORPHIC 1; RYR2-Related Catecholaminergic Polymorphic Ventricular Tachycardia; VENTRICULAR TACHYCARDIA, CATECHOLAMINERGIC POLYMORPHIC, 1, WITH OR WITHOUT ATRIAL DYSFUNCTION AND/OR DILATED CARDIOMYOPATHY. Identifiers: Orphanet 3286, MedGen C1631597, MONDO:0011484, OMIM 604772.

Allele frequency attached by ClinVar (database versions not stated): gnomAD exomes below 0.00001.
gnomAD v4.1: 2 of 1,613,994 alleles (0.00012%); highest among the groups gnomAD compares: Non-Finnish European, 0.00017%; no homozygotes.

Submission:

Labcorp Genetics (formerly Invitae), Labcorp
Classification: Uncertain significance for Catecholaminergic polymorphic ventricular tachycardia 1. Last evaluated: 2025-09-23. Review status: criteria provided, single submitter. Criteria: Invitae Variant Classification Sherloc (09022015). Collection method: clinical testing. Allele origin: germline.
Comment: This sequence change replaces tyrosine, which is neutral and polar, with cysteine, which is neutral and slightly polar, at codon 1826 of the RYR2 protein (p.Tyr1826Cys). This variant is not present in population databases (gnomAD no frequency). This variant has not been reported in the literature in individuals affected with RYR2-related conditions. ClinVar contains an entry for this variant (Variation ID: 2721491). Invitae Evidence Modeling of protein sequence and biophysical properties (such as structural, functional, and spatial information, amino acid conservation, physicochemical variation, residue mobility, and thermodynamic stability) indicates that this missense variant is not expected to disrupt RYR2 protein function with a negative predictive value of 95%. In summary, the available evidence is currently insufficient to determine the role of this variant in disease. Therefore, it has been classified as a Variant of Uncertain Significance.